The following is an entry in ClinVar:

NM_000939.4(POMC):c.490G>T (p.Ala164Ser)

Gene: POMC (proopiomelanocortin; minus strand). Cytogenetic location: 2p23.3.
Variant type: single nucleotide variant.
Coding change: c.490G>T on transcript NM_000939.4 (MANE Select); coding-DNA position 490, G replaced by T.
Protein change: p.Ala164Ser; replaces alanine 164 with serine.
Molecular consequence: missense variant.
Genome position (GRCh38, 1-based): chr2:25,161,395, C>A on the plus strand (G>T on the coding strand, the complement: POMC is on the minus strand). VCF-style: chr2-25161395-C-A. GRCh37 (hg19) VCF-style: chr2-25384264-C-A.
Other names: c.490G>T, p.Ala164Ser (NM_001035256.3, NM_001319204.2, NM_001319205.2); short protein forms A164S.
Identifiers: ClinVar variation 4991298 (VCV004991298.1).
Genomic context (GRCh38, chr2:25,161,395, plus strand): 5'-GCTGGCCAGTCAGCTCCCTCTTGAACTCCAGGGGGAAGGCCTCGGCCGACTCGTCCTCGG[C>A]GCCGTTAGGGTACACCTTCACTGGGCGCCGCTTCTTGCCCACCGGCTTGCCCCAGCGGAA-3'
Protein context (NP_000930.1, residues 154-174): RRPVKVYPNG[Ala164Ser]EDESAEAFPL

ClinVar aggregate classification (germline): Uncertain significance (1 of 4 stars; one submission).

Conditions:
POMC-related disorder. Also called: POMC-related disorders; POMC-related condition.

gnomAD v4.1: 1 of 1,608,716 alleles (0.000062%); highest among the groups gnomAD compares: Non-Finnish European, 0.000085%; no homozygotes.

Submission:

PreventionGenetics, part of Exact Sciences
Classification: Uncertain significance for POMC-related condition. Last evaluated: 2026-04-21. Review status: criteria provided, single submitter. Criteria: ACMG Guidelines, 2015. Collection method: clinical testing. Allele origin: germline.
Comment: The POMC c.490G>T variant is predicted to result in the amino acid substitution p.Ala164Ser. This variant has been reported in an individual with an increased body mass index (described as 2:25161395C:A in Table S3, Kaisinger et al. 2023. PubMed ID: 37601970). In vitro functional studies showed this variant did not reduce protein function and could cause increased function (Supplemental Data Set 3, Shah et al. 2023. PubMed ID: 36864747). This variant has not been reported in a large population database (gnomAD), indicating this variant is rare. At this time, the clinical significance of this variant is uncertain due to the absence of conclusive functional and genetic evidence.